The following is an entry in ClinVar:

ClinVar aggregate classification (germline): Pathogenic (1 of 4 stars; one submission).

Conditions:
Inborn genetic diseases. Identifiers: MedGen C0950123, MeSH D030342.

Submission:

Ambry Genetics
Classification: Pathogenic for Inborn genetic diseases. Last evaluated: 2024-03-01. Review status: criteria provided, single submitter. Criteria: Ambry Variant Classification Scheme 2023. Collection method: clinical testing. Allele origin: germline.
Comment: The c.2582C>A (p.S861*) alteration, located in exon 15 (coding exon 14) of the ADGRL1 gene, consists of a C to A substitution at nucleotide position 2582. This changes the amino acid from a serine (S) to a stop codon at amino acid position 861. This alteration is expected to result in loss of function by premature protein truncation or nonsense-mediated mRNA decay. This variant was not reported in population-based cohorts in the Genome Aggregation Database (gnomAD). Based on the available evidence, this alteration is classified as pathogenic.

NM_014921.5(ADGRL1):c.2567C>A (p.Ser856Ter)

Genes: ADGRL1 (adhesion G protein-coupled receptor L1; minus strand), ADGRL1-AS1 (ADGRL1 antisense RNA 1; plus strand). Cytogenetic location: 19p13.12.
Variant type: single nucleotide variant.
Coding change: c.2567C>A on transcript NM_014921.5 (MANE Select); coding-DNA position 2567, C replaced by A.
Protein change: p.Ser856Ter; replaces serine 856 with a stop codon.
Molecular consequence: nonsense.
Genome position (GRCh38, 1-based): chr19:14,157,429, G>T on the plus strand (C>A on the coding strand, the complement: ADGRL1 is on the minus strand). VCF-style: chr19-14157429-G-T. GRCh37 (hg19) VCF-style: chr19-14268241-G-T.
Other names: c.2582C>A, p.Ser861Ter (NM_001008701.3); short protein forms S856*, S861*.
Identifiers: ClinVar variation 3087198 (VCV003087198.1), dbSNP rs781100862, ClinGen allele CA404401502.